The following is an entry in ClinVar:

ClinVar aggregate classification (germline): Uncertain significance (1 of 4 stars; one submission).

Conditions:
Progressive myoclonic epilepsy. Also called: Familial progressive myoclonic epilepsy; Myoclonic Epilepsies, Progressive; Myoclonus epilepsy; Progressive myoclonus epilepsy. Identifiers: Orphanet 308, Orphanet 98261, MedGen C0751778, MONDO:0020074.

gnomAD v4.1: 18 of 1,547,222 alleles (0.0012%); highest among the groups gnomAD compares: African/African-American, 0.0082%; no homozygotes.

Submission:

Labcorp Genetics (formerly Invitae), Labcorp
Classification: Uncertain significance for Progressive myoclonic epilepsy. Last evaluated: 2023-12-06. Review status: criteria provided, single submitter. Criteria: Invitae Variant Classification Sherloc (09022015). Collection method: clinical testing. Allele origin: germline.
Comment: This sequence change replaces proline, which is neutral and non-polar, with alanine, which is neutral and non-polar, at codon 3 of the GOSR2 protein (p.Pro3Ala). This variant is present in population databases (no rsID available, gnomAD 0.006%). This variant has not been reported in the literature in individuals affected with GOSR2-related conditions. ClinVar contains an entry for this variant (Variation ID: 1365644). An algorithm developed to predict the effect of missense changes on protein structure and function (PolyPhen-2) suggests that this variant¬†is likely to be tolerated. In summary, the available evidence is currently insufficient to determine the role of this variant in disease. Therefore, it has been classified as a Variant of Uncertain Significance.

NM_004287.5(GOSR2):c.7C>G (p.Pro3Ala)

Genes: GOSR2 (golgi SNAP receptor complex member 2; plus strand), LRRC37A2 (leucine rich repeat containing 37 member A2). Cytogenetic location: 17q21.32.
Variant type: single nucleotide variant.
Coding change: c.7C>G on transcript NM_004287.5 (MANE Select); coding-DNA position 7, C replaced by G.
Protein change: p.Pro3Ala; replaces proline 3 with alanine.
Molecular consequence: missense variant. On other transcripts: 5 prime UTR variant (2), non-coding transcript variant (3).
Genome position (GRCh38, 1-based): chr17:46,923,199, C>G. VCF-style: chr17-46923199-C-G. GRCh37 (hg19) VCF-style: chr17-45000565-C-G.
Other names: c.7C>G, p.Pro3Ala (NM_001012511.3, NM_001321133.2, NM_001330252.2 and 4 more transcripts); c.-96C>G (NM_001321134.2); c.-459C>G (NM_001363851.2); short protein forms P3A.
Identifiers: ClinVar variation 1365644 (VCV001365644.4), dbSNP rs12944167, ClinGen allele CA400015683.